The following is an entry in ClinVar:

NM_198525.3(KIF7):c.1463_1472dup (p.Leu492fs)

Gene: KIF7 (kinesin family member 7; minus strand). Cytogenetic location: 15q26.1.
Variant type: Duplication.
Coding change: c.1463_1472dup on transcript NM_198525.3 (MANE Select); coding-DNA positions 1463 to 1472, 10 bases duplicated (AGCTGCTGAC; older notation c.1463_1472dupAGCTGCTGAC).
Protein change: p.Leu492fs; shifts the reading frame from leucine 492.
Molecular consequence: frameshift variant.
Genome position (GRCh38, 1-based): chr15:89,647,684-89,647,693, GTCAGCAGCT duplicated on the plus strand (AGCTGCTGAC on the coding strand, the reverse complement: KIF7 is on the minus strand); duplicating any 10 consecutive bases within chr15:89,647,684-89,647,694 gives the same sequence; the c. name uses the placement nearest the transcript's 3' end. VCF-style (leftmost placement, unchanged base first): chr15-89647683-G-GGTCAGCAGCT. GRCh37 (hg19) VCF-style: chr15-90190914-G-GGTCAGCAGCT.
Other names: short protein forms L492fs.
Identifiers: ClinVar variation 4704908 (VCV004704908.1).

ClinVar aggregate classification (germline): Pathogenic (1 of 4 stars; one submission).

Conditions:
Acrocallosal syndrome (ACLS). Also called: HALLUX DUPLICATION, POSTAXIAL POLYDACTYLY, AND ABSENCE OF CORPUS CALLOSUM; Schinzel syndrome 1; Absence of corpus callosum with unusual facial appearance, mental deficiency, duplication of the halluces and polydactyly. Identifiers: Orphanet 36, MedGen C0796147, MONDO:0008708, OMIM 200990.

Submission:

Labcorp Genetics (formerly Invitae), Labcorp
Classification: Pathogenic for Acrocallosal syndrome. Last evaluated: 2025-04-17. Review status: criteria provided, single submitter. Criteria: Invitae Variant Classification Sherloc (09022015). Collection method: clinical testing. Allele origin: germline.
Comment: This sequence change creates a premature translational stop signal (p.Leu492Alafs*38) in the KIF7 gene. It is expected to result in an absent or disrupted protein product. Loss-of-function variants in KIF7 are known to be pathogenic (PMID: 19666503, 21552264, 21633164, 26648833). This variant is not present in population databases (gnomAD no frequency). This variant has not been reported in the literature in individuals affected with KIF7-related conditions. Algorithms developed to predict the effect of sequence changes on RNA splicing suggest that this variant may create or strengthen a splice site. For these reasons, this variant has been classified as Pathogenic.

Literature cited by the submitters: PubMed 19666503; PubMed 21552264; PubMed 21633164; PubMed 26648833.